The following is an entry in ClinVar:

ClinVar aggregate classification (germline): Uncertain significance (1 of 4 stars; one submission).

Conditions:
Catecholaminergic polymorphic ventricular tachycardia 1. Also called: VENTRICULAR TACHYCARDIA, STRESS-INDUCED POLYMORPHIC 1; VENTRICULAR TACHYCARDIA, CATECHOLAMINERGIC POLYMORPHIC, 1, WITH OR WITHOUT ATRIAL DYSFUNCTION AND/OR DILATED CARDIOMYOPATHY; RYR2-Related Catecholaminergic Polymorphic Ventricular Tachycardia. Identifiers: Orphanet 3286, MedGen C1631597, MONDO:0011484, OMIM 604772.

Submission:

Labcorp Genetics (formerly Invitae), Labcorp
Classification: Uncertain significance for Catecholaminergic polymorphic ventricular tachycardia 1. Last evaluated: 2024-11-11. Review status: criteria provided, single submitter. Criteria: Invitae Variant Classification Sherloc (09022015). Collection method: clinical testing. Allele origin: germline.
Comment: This sequence change replaces glycine, which is neutral and non-polar, with arginine, which is basic and polar, at codon 1696 of the RYR2 protein (p.Gly1696Arg). This variant is not present in population databases (gnomAD no frequency). This variant has not been reported in the literature in individuals affected with RYR2-related conditions. ClinVar contains an entry for this variant (Variation ID: 2743731). Invitae Evidence Modeling of protein sequence and biophysical properties (such as structural, functional, and spatial information, amino acid conservation, physicochemical variation, residue mobility, and thermodynamic stability) has been performed for this missense variant. However, the output from this modeling did not meet the statistical confidence thresholds required to predict the impact of this variant on RYR2 protein function. In summary, the available evidence is currently insufficient to determine the role of this variant in disease. Therefore, it has been classified as a Variant of Uncertain Significance.

NM_001035.3(RYR2):c.5086G>C (p.Gly1696Arg)

Gene: RYR2 (ryanodine receptor 2; plus strand). Cytogenetic location: 1q43.
Variant type: single nucleotide variant.
Coding change: c.5086G>C on transcript NM_001035.3 (MANE Select); coding-DNA position 5086, G replaced by C.
Protein change: p.Gly1696Arg; replaces glycine 1696 with arginine.
Molecular consequence: missense variant.
Genome position (GRCh38, 1-based): chr1:237,614,214, G>C. VCF-style: chr1-237614214-G-C. GRCh37 (hg19) VCF-style: chr1-237777514-G-C.
Other names: short protein forms G1696R.
Identifiers: ClinVar variation 2743731 (VCV002743731.3), dbSNP rs2546791414, ClinGen allele CA345403990.